The following is an entry in ClinVar:

NM_020919.4(ALS2):c.938C>G (p.Thr313Arg)

Gene: ALS2 (alsin Rho guanine nucleotide exchange factor ALS2; minus strand). Cytogenetic location: 2q33.1.
Variant type: single nucleotide variant.
Coding change: c.938C>G on transcript NM_020919.4 (MANE Select); coding-DNA position 938, C replaced by G.
Protein change: p.Thr313Arg; replaces threonine 313 with arginine.
Molecular consequence: missense variant.
Genome position (GRCh38, 1-based): chr2:201,761,056, G>C on the plus strand (C>G on the coding strand, the complement: ALS2 is on the minus strand). VCF-style: chr2-201761056-G-C. GRCh37 (hg19) VCF-style: chr2-202625779-G-C.
Other names: c.938C>G, p.Thr313Arg (NM_001135745.2, NM_001410975.1); short protein forms T313R.
Identifiers: ClinVar variation 1949434 (VCV001949434.5), dbSNP rs749422183, ClinGen allele CA2058571.

ClinVar aggregate classification (germline): Uncertain significance (1 of 4 stars; one submission).

Conditions:
Infantile-onset ascending hereditary spastic paralysis (IAHSP). Also called: Autosomal Recessive Juvenile Amyotrophic Lateral Sclerosis; Infantile-Onset Ascending Hereditary Spastic Paralysis (IAHSP). Identifiers: Orphanet 293168, MedGen C2931441, MONDO:0011797, OMIM 607225. Disease mechanism: loss of function.

Allele frequency attached by ClinVar (database versions not stated): gnomAD exomes below 0.00001; ExAC 0.00001; gnomAD 0.00001; TOPMed 0.00005.
gnomAD v4.1: 4 of 1,614,036 alleles (0.00025%); highest among the groups gnomAD compares: Admixed American, 0.005%; no homozygotes.

Submission:

Labcorp Genetics (formerly Invitae), Labcorp
Classification: Uncertain significance for Infantile-onset ascending hereditary spastic paralysis. Last evaluated: 2021-12-18. Review status: criteria provided, single submitter. Criteria: Invitae Variant Classification Sherloc (09022015). Collection method: clinical testing. Allele origin: germline.
Comment: This sequence change replaces threonine, which is neutral and polar, with arginine, which is basic and polar, at codon 313 of the ALS2 protein (p.Thr313Arg). In summary, the available evidence is currently insufficient to determine the role of this variant in disease. Therefore, it has been classified as a Variant of Uncertain Significance. Algorithms developed to predict the effect of missense changes on protein structure and function (SIFT, PolyPhen-2, Align-GVGD) all suggest that this variant is likely to be tolerated. This variant has not been reported in the literature in individuals affected with ALS2-related conditions. This variant is present in population databases (rs749422183, gnomAD 0.006%).